The following is an entry in ClinVar:

ClinVar aggregate classification (germline): Uncertain significance (1 of 4 stars; one submission).

Conditions:
Developmental and epileptic encephalopathy 94 (DEE94). Also called: Epileptic encephalopathy, childhood-onset; CHD2-Related Neurodevelopmental Disorders. Identifiers: Orphanet 1942, Orphanet 2382, MedGen C3809278, MONDO:0014150, OMIM 615369.

Submission:

Labcorp Genetics (formerly Invitae), Labcorp
Classification: Uncertain significance for Developmental and epileptic encephalopathy 94. Last evaluated: 2025-10-15. Review status: criteria provided, single submitter. Criteria: Invitae Variant Classification Sherloc (09022015). Collection method: clinical testing. Allele origin: germline.
Comment: This sequence change replaces serine, which is neutral and polar, with cysteine, which is neutral and slightly polar, at codon 789 of the CHD2 protein (p.Ser789Cys). This variant is not present in population databases (gnomAD no frequency). This variant has not been reported in the literature in individuals affected with CHD2-related conditions. Invitae Evidence Modeling of protein sequence and biophysical properties (such as structural, functional, and spatial information, amino acid conservation, physicochemical variation, residue mobility, and thermodynamic stability) indicates that this missense variant is not expected to disrupt CHD2 protein function with a negative predictive value of 95%. In summary, the available evidence is currently insufficient to determine the role of this variant in disease. Therefore, it has been classified as a Variant of Uncertain Significance.

NM_001271.4(CHD2):c.2365A>T (p.Ser789Cys)

Gene: CHD2 (chromodomain helicase DNA binding protein 2; plus strand). Cytogenetic location: 15q26.1.
Variant type: single nucleotide variant.
Coding change: c.2365A>T on transcript NM_001271.4 (MANE Select); coding-DNA position 2365, A replaced by T.
Protein change: p.Ser789Cys; replaces serine 789 with cysteine.
Molecular consequence: missense variant.
Genome position (GRCh38, 1-based): chr15:92,972,277, A>T. VCF-style: chr15-92972277-A-T. GRCh37 (hg19) VCF-style: chr15-93515507-A-T.
Other names: short protein forms S789C.
Identifiers: ClinVar variation 4802436 (VCV004802436.1).